The following is an entry in ClinVar:

ClinVar aggregate classification (germline): Pathogenic (1 of 4 stars; one submission).

Submission:

CeGaT Center for Human Genetics Tuebingen
Classification: Pathogenic. Last evaluated: 2025-04-01. Review status: criteria provided, single submitter. Criteria: CeGaT Center For Human Genetics Tuebingen Variant Classification Criteria Version 2. Collection method: clinical testing. Allele origin: germline. Affected: yes. Observed: 1 variant allele.
Comment: PIGG: PVS1, PM2

NM_001127178.3(PIGG):c.2541T>A (p.Tyr847Ter)

Gene: PIGG (phosphatidylinositol glycan anchor biosynthesis class G (EMM blood group); plus strand). Cytogenetic location: 4p16.3.
Variant type: single nucleotide variant.
Coding change: c.2541T>A on transcript NM_001127178.3 (MANE Select); coding-DNA position 2541, T replaced by A.
Protein change: p.Tyr847Ter; replaces tyrosine 847 with a stop codon.
Molecular consequence: nonsense. On other transcripts: non-coding transcript variant (6).
Genome position (GRCh38, 1-based): chr4:530,715, T>A. VCF-style: chr4-530715-T-A. GRCh37 (hg19) VCF-style: chr4-524504-T-A.
Other names: c.2274T>A, p.Tyr758Ter (NM_001289051.2, NM_001345986.2); c.2142T>A, p.Tyr714Ter (NM_001289052.2); c.2250T>A, p.Tyr750Ter (NM_001345987.2); c.1512T>A, p.Tyr504Ter (NM_001345988.2); c.1008T>A, p.Tyr336Ter (NM_001345990.2, NM_001345991.2); c.1443T>A, p.Tyr481Ter (NM_001345994.2); c.2517T>A, p.Tyr839Ter (NM_017733.5); short protein forms Y336*, Y481*, Y504*, Y714*, Y750*, Y758*, Y839*, Y847*.
Identifiers: ClinVar variation 3898594 (VCV003898594.7).
Genomic context (GRCh38, chr4:530,715, plus strand): 5'-GACTAAATTCATCTGGAAGCCCCTGAGACACGATGCAGCTGAGATTACTGTGATGCATTA[T>A]TGGTTTGGTCAAGCATTCTTCTATTTTCAGGTAGGTTTTCATTATTATCATGGGTAGTAG-3'